The following is an entry in ClinVar:

NM_212482.4(FN1):c.3254-4A>T

Gene: FN1 (fibronectin 1; minus strand). Cytogenetic location: 2q35.
Variant type: single nucleotide variant.
Coding change: c.3254-4A>T on transcript NM_212482.4 (MANE Select); 4 bases into the intron before coding-DNA position 3254, A replaced by T.
Molecular consequence: intron variant.
Genome position (GRCh38, 1-based): chr2:215,399,355, T>A on the plus strand (A>T on the coding strand, the complement: FN1 is on the minus strand). VCF-style: chr2-215399355-T-A. GRCh37 (hg19) VCF-style: chr2-216264078-T-A.
Other names: c.3254-4A>T (NM_212474.3, NM_001306132.2, NM_001365523.2 and 13 more transcripts).
Identifiers: ClinVar variation 2128071 (VCV002128071.4), dbSNP rs2469899699, ClinGen allele CA2580065638.

ClinVar aggregate classification (germline): Uncertain significance (1 of 4 stars; one submission).

Submission:

Labcorp Genetics (formerly Invitae), Labcorp
Classification: Uncertain significance. Last evaluated: 2022-04-19. Review status: criteria provided, single submitter. Criteria: Invitae Variant Classification Sherloc (09022015). Collection method: clinical testing. Allele origin: germline.
Comment: In summary, the available evidence is currently insufficient to determine the role of this variant in disease. Therefore, it has been classified as a Variant of Uncertain Significance. Algorithms developed to predict the effect of sequence changes on RNA splicing suggest that this variant may create or strengthen a splice site. This variant has not been reported in the literature in individuals affected with FN1-related conditions. This variant is not present in population databases (gnomAD no frequency). This sequence change falls in intron 20 of the FN1 gene. It does not directly change the encoded amino acid sequence of the FN1 protein.